The following is an entry in ClinVar:

ClinVar aggregate classification (germline): Uncertain significance (1 of 4 stars; one submission).

Conditions:
Hereditary cancer-predisposing syndrome. Also called: Neoplastic Syndromes, Hereditary; Tumor predisposition; Hereditary neoplastic syndrome; Hereditary Cancer Syndrome. Identifiers: Orphanet 140162, MedGen C0027672, MeSH D009386, MONDO:0015356.

Submission:

Ambry Genetics
Classification: Uncertain significance for Hereditary cancer-predisposing syndrome. Last evaluated: 2026-07-12. Review status: criteria provided, single submitter. Criteria: Ambry Variant Classification Scheme 2023. Collection method: clinical testing. Allele origin: germline.
Comment: The p.K920E variant (also known as c.2758A>G), located in coding exon 11 of the MET gene, results from an A to G substitution at nucleotide position 2758. The lysine at codon 920 is replaced by glutamic acid, an amino acid with similar properties. This amino acid position is conserved. In addition, this alteration is predicted to be tolerated by in silico analysis. Based on the available evidence, the clinical significance of this variant remains unclear.

NM_000245.4(MET):c.2704A>G (p.Lys902Glu)

Gene: MET (MET proto-oncogene, receptor tyrosine kinase; plus strand). Cytogenetic location: 7q31.2.
Variant type: single nucleotide variant.
Coding change: c.2704A>G on transcript NM_000245.4 (MANE Select); coding-DNA position 2704, A replaced by G.
Protein change: p.Lys902Glu; replaces lysine 902 with glutamic acid.
Molecular consequence: missense variant.
Genome position (GRCh38, 1-based): chr7:116,769,765, A>G. VCF-style: chr7-116769765-A-G. GRCh37 (hg19) VCF-style: chr7-116409819-A-G.
Other names: c.2758A>G, p.Lys920Glu (NM_001127500.3); c.2704A>G, p.Lys902Glu (NM_001324401.3); c.1414A>G, p.Lys472Glu (NM_001324402.2); short protein forms K472E, K902E, K920E.
Identifiers: ClinVar variation 5024344 (VCV005024344.1).